The following is an entry in ClinVar:

NM_000492.4(CFTR):c.89A>C (p.Gln30Pro)

Gene: CFTR (CF transmembrane conductance regulator; plus strand). Cytogenetic location: 7q31.2.
Variant type: single nucleotide variant.
Coding change: c.89A>C on transcript NM_000492.4 (MANE Select); coding-DNA position 89, A replaced by C.
Protein change: p.Gln30Pro; replaces glutamine 30 with proline.
Molecular consequence: missense variant.
Genome position (GRCh38, 1-based): chr7:117,504,288, A>C. VCF-style: chr7-117504288-A-C. GRCh37 (hg19) VCF-style: chr7-117144342-A-C.
Other names: short protein forms Q30P.
Identifiers: ClinVar variation 1765393 (VCV001765393.2), dbSNP rs2484968181, ClinGen allele CA368987036.
Genomic context (GRCh38, chr7:117,504,288, plus strand): 5'-TCTGTTCCTCCTCTCTTTATTTTAGCTGGACCAGACCAATTTTGAGGAAAGGATACAGAC[A>C]GCGCCTGGAATTGTCAGACATATACCAAATCCCTTCTGTTGATTCTGCTGACAATCTATC-3'
Protein context (NP_000483.3, residues 20-40): TRPILRKGYR[Gln30Pro]RLELSDIYQI

ClinVar aggregate classification (germline): Uncertain significance (1 of 4 stars; one submission).

Conditions:
Cystic fibrosis (CF). Also called: MUCOVISCIDOSIS. Identifiers: Orphanet 586, MedGen C0010674, MONDO:0009061, OMIM 219700. Disease mechanism: loss of function.

Submission:

Ambry Genetics
Classification: Uncertain significance for Cystic fibrosis. Last evaluated: 2021-01-21. Review status: criteria provided, single submitter. Criteria: Ambry Variant Classification Scheme 2023. Collection method: clinical testing. Allele origin: germline.
Comment: The p.Q30P variant (also known as c.89A>C), located in coding exon 2 of the CFTR gene, results from an A to C substitution at nucleotide position 89. The glutamine at codon 30 is replaced by proline, an amino acid with similar properties. This amino acid position is not well conserved in available vertebrate species. In addition, the in silico prediction for this alteration is inconclusive. Since supporting evidence is limited at this time, the clinical significance of this alteration remains unclear.

Literature cited by the submitters: PubMed 26708955.